The following is an entry in ClinVar:

ClinVar aggregate classification (germline): Likely pathogenic (1 of 4 stars; one submission).

Conditions:
Donnai-Barrow syndrome. Also called: DBS/FOAR SYNDROME; FACIOOCULOACOUSTICORENAL SYNDROME. Identifiers: Orphanet 2143, MedGen C1857277, MONDO:0009104, OMIM 222448.

Submission:

Juno Genomics, Hangzhou Juno Genomics, Inc
Classification: Likely pathogenic for Donnai-Barrow syndrome. Review status: criteria provided, single submitter. Criteria: ACMG Guidelines, 2015. Collection method: clinical testing. Allele origin: germline.
Comment: Null variant in a gene where loss of function (LOF) is a known mechanism of disease.;Absent from controls (or at extremely low frequency if recessive) in Genome Aggregation Database.

NM_004525.3(LRP2):c.5150C>G (p.Ser1717Ter)

Gene: LRP2 (LDL receptor related protein 2; minus strand). Cytogenetic location: 2q31.1.
Variant type: single nucleotide variant.
Coding change: c.5150C>G on transcript NM_004525.3 (MANE Select); coding-DNA position 5150, C replaced by G.
Protein change: p.Ser1717Ter; replaces serine 1717 with a stop codon.
Molecular consequence: nonsense.
Genome position (GRCh38, 1-based): chr2:169,231,791, G>C on the plus strand (C>G on the coding strand, the complement: LRP2 is on the minus strand). VCF-style: chr2-169231791-G-C. GRCh37 (hg19) VCF-style: chr2-170088301-G-C.
Other names: short protein forms S1717*.
Identifiers: ClinVar variation 5006125 (VCV005006125.2).